The following is an entry in ClinVar:

ClinVar aggregate classification (germline): Pathogenic. Review status: criteria provided, multiple submitters, no conflicts (2 of 4 stars). 3 submissions from 3 submitters: Pathogenic (3). Last evaluated 2024-04-10.

Conditions:
Neurofibromatosis, type 1 (NF1). Also called: Peripheral type neurofibromatosis; VON RECKLINGHAUSEN DISEASE; NEUROFIBROMATOSIS, TYPE I, SOMATIC; Neurofibromatosis, type I. Identifiers: Orphanet 636, MedGen C0027831, MONDO:0018975, OMIM 162200. Disease mechanism: loss of function.

Submissions (3):

Labcorp Genetics (formerly Invitae), Labcorp
Classification: Pathogenic for Neurofibromatosis, type 1. Last evaluated: 2024-04-10. Review status: criteria provided, single submitter. Criteria: Invitae Variant Classification Sherloc (09022015). Collection method: clinical testing. Allele origin: germline.
Comment: This sequence change affects a donor splice site in intron 12 of the NF1 gene. It is expected to disrupt RNA splicing. Variants that disrupt the donor or acceptor splice site typically lead to a loss of protein function (PMID: 16199547), and loss-of-function variants in NF1 are known to be pathogenic (PMID: 10712197, 23913538). This variant is not present in population databases (gnomAD no frequency). Disruption of this splice site has been observed in individual(s) with neurofibromatosis type 1 (PMID: 15146469, 23621909). ClinVar contains an entry for this variant (Variation ID: 585289). Algorithms developed to predict the effect of sequence changes on RNA splicing suggest that this variant may disrupt the consensus splice site. For these reasons, this variant has been classified as Pathogenic.

Genome-Nilou Lab
Classification: Pathogenic for Neurofibromatosis, type 1. Last evaluated: 2022-03-15. Review status: criteria provided, single submitter. Criteria: ACMG Guidelines, 2015. Collection method: clinical testing. Allele origin: germline. Affected: no.

Center of Genomic medicine, Geneva, University Hospital of Geneva
Classification: Pathogenic for Neurofibromatosis, type 1. Last evaluated: 2018-03-16. Review status: criteria provided, single submitter. Criteria: ACMG Guidelines, 2015. Collection method: clinical testing. Allele origin: de novo. Affected: yes. Observed: 1 variant allele.

Literature cited by the submitters: PubMed 16199547 (cited by Labcorp Genetics (formerly Invitae), Labcorp); PubMed 10712197 (cited by Labcorp Genetics (formerly Invitae), Labcorp); PubMed 23913538 (cited by Labcorp Genetics (formerly Invitae), Labcorp); PubMed 15146469 (cited by Labcorp Genetics (formerly Invitae), Labcorp); PubMed 23621909 (cited by Labcorp Genetics (formerly Invitae), Labcorp).

NM_001042492.3(NF1):c.1392+1G>C

Gene: NF1 (neurofibromin 1; plus strand). Cytogenetic location: 17q11.2.
Variant type: single nucleotide variant.
Coding change: c.1392+1G>C on transcript NM_001042492.3 (MANE Select); the canonical splice donor site of the intron after coding-DNA position 1392, G replaced by C.
Molecular consequence: splice donor variant.
Genome position (GRCh38, 1-based): chr17:31,206,372, G>C. VCF-style: chr17-31206372-G-C. GRCh37 (hg19) VCF-style: chr17-29533390-G-C.
Other names: c.1392+1G>C (NM_000267.4, NM_001128147.3).
Identifiers: ClinVar variation 585289 (VCV000585289.8), dbSNP rs267604791, ClinGen allele CA398999970.